The following is an entry in ClinVar:

NM_153460.4(IL17RC):c.1717G>A (p.Glu573Lys)

Gene: IL17RC (interleukin 17 receptor C; plus strand). Cytogenetic location: 3p25.3.
Variant type: single nucleotide variant.
Coding change: c.1717G>A on transcript NM_153460.4 (MANE Select); coding-DNA position 1717, G replaced by A.
Protein change: p.Glu573Lys; replaces glutamic acid 573 with lysine.
Molecular consequence: missense variant. On other transcripts: non-coding transcript variant (1).
Genome position (GRCh38, 1-based): chr3:9,933,147, G>A. VCF-style: chr3-9933147-G-A. GRCh37 (hg19) VCF-style: chr3-9974831-G-A.
Other names: c.1678G>A, p.Glu560Lys (NM_001203263.2); c.1627G>A, p.Glu543Lys (NM_001203264.2); c.1621G>A, p.Glu541Lys (NM_001203265.2); c.1639G>A, p.Glu547Lys (NM_001367278.1); c.1558G>A, p.Glu520Lys (NM_001367279.1); c.1633G>A, p.Glu545Lys (NM_001367280.1); c.1672G>A, p.Glu558Lys (NM_032732.6); c.1930G>A, p.Glu644Lys (NM_153461.4); short protein forms E520K, E541K, E543K, E545K, E547K, E558K, E560K, E573K.
Identifiers: ClinVar variation 1675092 (VCV001675092.2), dbSNP rs764647705, ClinGen allele CA69998519.
Genomic context (GRCh38, chr3:9,933,147, plus strand): 5'-GAACTGAGCGCGCAGGGGCCCGTGGCTTGGTTTCACGCGCAGCGGCGCCAGACCCTGCAG[G>A]AGGGCGGCGTGGTGGTCTTGCTCTTCTCTCCCGGTGCGGTGGCGCTGTGCAGCGAGTGGC-3'
Protein context (NP_703190.2, residues 563-583): FHAQRRQTLQ[Glu573Lys]GGVVVLLFSP

ClinVar aggregate classification (germline): Uncertain significance. Review status: criteria provided, multiple submitters, no conflicts (2 of 4 stars). 2 submissions from 2 submitters: Uncertain significance (2). Last evaluated 2025-10-16.

Conditions:
Candidiasis, familial, 9 (CANDF9). Identifiers: Orphanet 1334, MedGen C4225324, MONDO:0014642, OMIM 616445.

Submissions (2):

Labcorp Genetics (formerly Invitae), Labcorp
Classification: Uncertain significance for Candidiasis, familial, 9. Last evaluated: 2025-10-16. Review status: criteria provided, single submitter. Criteria: Invitae Variant Classification Sherloc (09022015). Collection method: clinical testing. Allele origin: germline.
Comment: This sequence change replaces glutamic acid, which is acidic and polar, with lysine, which is basic and polar, at codon 644 of the IL17RC protein (p.Glu644Lys). This variant is present in population databases (no rsID available, gnomAD no frequency). This variant has not been reported in the literature in individuals affected with IL17RC-related conditions. ClinVar contains an entry for this variant (Variation ID: 1675092). An algorithm developed to predict the effect of missense changes on protein structure and function (PolyPhen-2) suggests that this variant is likely to be disruptive. In summary, the available evidence is currently insufficient to determine the role of this variant in disease. Therefore, it has been classified as a Variant of Uncertain Significance.

Center for Genomics, Ann and Robert H. Lurie Children's Hospital of Chicago
Classification: Uncertain significance for Candidiasis, familial, 9. Last evaluated: 2021-05-21. Review status: criteria provided, single submitter. Criteria: ACMG Guidelines, 2015. Collection method: clinical testing. Allele origin: germline.
Comment: IL17RC NM_153461.3 exon 19 p.Glu644Lys (c.1930G>A): This variant has not been reported in the literature but is present in 0.02% (1/4838) of South Asian alleles in the Genome Aggregation Database. Evolutionary conservation suggests that this variant may not impact the protein; computational predictive tools for this variant are unclear. In summary, data on this variant is insufficient for disease classification. Therefore, the clinical significance of this variant is uncertain.